The following is an entry in ClinVar:

NM_018344.6(SLC29A3):c.986A>G (p.Asn329Ser)

Gene: SLC29A3 (solute carrier family 29 member 3; plus strand). Cytogenetic location: 10q22.1.
Variant type: single nucleotide variant.
Coding change: c.986A>G on transcript NM_018344.6 (MANE Select); coding-DNA position 986, A replaced by G.
Protein change: p.Asn329Ser; replaces asparagine 329 with serine.
Molecular consequence: missense variant. On other transcripts: 3 prime UTR variant (1), non-coding transcript variant (2).
Genome position (GRCh38, 1-based): chr10:71,362,166, A>G. VCF-style: chr10-71362166-A-G. GRCh37 (hg19) VCF-style: chr10-73121923-A-G.
Other names: c.*215A>G (NM_001174098.2); c.752A>G, p.Asn251Ser (NM_001363518.2); short protein forms N329S, N251S.
Identifiers: ClinVar variation 536247 (VCV000536247.8), dbSNP rs1554818046, ClinGen allele CA377115350.

ClinVar aggregate classification (germline): Uncertain significance (1 of 4 stars; one submission).

Conditions:
H syndrome. Also called: Pigmented hypertrichosis and insulin-dependent diabetes mellitus; HISTIOCYTOSIS AND LYMPHADENOPATHY WITH OR WITHOUT CUTANEOUS, CARDIAC, AND/OR ENDOCRINE FEATURES, JOINT CONTRACTURES, AND/OR DEAFNESS; HYPERPIGMENTATION, CUTANEOUS, WITH HYPERTRICHOSIS, HEPATOSPLENOMEGALY, HEART ANOMALIES, AND HYPOGONADISM WITH OR WITHOUT HEARING LOSS; PIGMENTED HYPERTRICHOSIS WITH INSULIN-DEPENDENT DIABETES MELLITUS; ROSAI-DORFMAN DISEASE, FAMILIAL; SINUS HISTIOCYTOSIS AND MASSIVE LYMPHADENOPATHY. Identifiers: Orphanet 168569, MedGen C1864445, MONDO:0011273, OMIM 602782.

Submission:

Labcorp Genetics (formerly Invitae), Labcorp
Classification: Uncertain significance for H syndrome. Last evaluated: 2017-10-15. Review status: criteria provided, single submitter. Criteria: Invitae Variant Classification Sherloc (09022015). Collection method: clinical testing. Allele origin: germline.
Comment: This sequence change replaces asparagine with serine at codon 329 of the SLC29A3 protein (p.Asn329Ser). The asparagine residue is moderately conserved and there is a small physicochemical difference between asparagine and serine. This variant is not present in population databases (ExAC no frequency). This variant has not been reported in the literature in individuals with SLC29A3-related disease. Algorithms developed to predict the effect of missense changes on protein structure and function (SIFT, PolyPhen-2, Align-GVGD) all suggest that this variant is likely to be tolerated, but these predictions have not been confirmed by published functional studies and their clinical significance is uncertain. Algorithms developed to predict the effect of sequence changes on RNA splicing suggest that this variant may create or strengthen a splice site, but this prediction has not been confirmed by published transcriptional studies. In summary, the available evidence is currently insufficient to determine the role of this variant in disease. Therefore, it has been classified as a Variant of Uncertain Significance.